The following is an entry in ClinVar:

ClinVar aggregate classification (germline): Pathogenic. Review status: criteria provided, multiple submitters, no conflicts (2 of 4 stars). 2 submissions from 2 submitters: Pathogenic (2). Last evaluated 2024-03-21.

Conditions:
Hereditary breast ovarian cancer syndrome. Also called: Hereditary breast and ovarian cancer; Hereditary breast and/or ovarian cancer syndrome; Hereditary breast and ovarian cancer syndrome; Hereditary breast and ovarian cancer syndrome (HBOC); Breast and ovarian cancer; BRCA1- and BRCA2-Associated Hereditary Breast and Ovarian Cancer. Identifiers: Orphanet 145, MedGen C0677776, MeSH D061325, MONDO:0003582. Disease mechanism: loss of function.

Submissions (2):

GeneDx
Classification: Pathogenic. Last evaluated: 2024-03-21. Review status: criteria provided, single submitter. Criteria: GeneDx Variant Classification Process June 2021. Collection method: clinical testing. Allele origin: germline. Affected: yes.
Comment: Nonsense variant predicted to result in protein truncation or nonsense mediated decay in a gene for which loss of function is a known mechanism of disease; Not observed at significant frequency in large population cohorts (gnomAD); Truncating variants in this gene are considered pathogenic by a well-established clinical consortium and/or database; Also known as 3139C>A; This variant is associated with the following publications: (PMID: 29446198, 33660451, 31815095, 31467961, 16287141)

Labcorp Genetics (formerly Invitae), Labcorp
Classification: Pathogenic for Hereditary breast ovarian cancer syndrome. Last evaluated: 2019-11-08. Review status: criteria provided, single submitter. Criteria: Invitae Variant Classification Sherloc (09022015). Collection method: clinical testing. Allele origin: germline.
Comment: For these reasons, this variant has been classified as Pathogenic. Loss-of-function variants in BRCA1 are known to be pathogenic (PMID: 20104584). This nonsense change has been reported in the literature in individuals with a personal and/or family history breast and ovarian cancer (PMID: 16287141, 29446198). This variant is not present in population databases (ExAC no frequency). This sequence change creates a premature translational stop signal (p.Ser1007*) in the BRCA1 gene. It is expected to result in an absent or disrupted protein product.

Literature cited by the submitters: PubMed 20104584 (cited by Labcorp Genetics (formerly Invitae), Labcorp); PubMed 16287141 (cited by Labcorp Genetics (formerly Invitae), Labcorp); PubMed 29446198 (cited by Labcorp Genetics (formerly Invitae), Labcorp).

NM_007294.4(BRCA1):c.3020C>A (p.Ser1007Ter)

Gene: BRCA1 (BRCA1 DNA repair associated; minus strand). Cytogenetic location: 17q21.31.
Variant type: single nucleotide variant.
Coding change: c.3020C>A on transcript NM_007294.4 (MANE Select); coding-DNA position 3020, C replaced by A.
Protein change: p.Ser1007Ter; replaces serine 1007 with a stop codon.
Molecular consequence: nonsense. On other transcripts: intron variant (137).
Genome position (GRCh38, 1-based): chr17:43,092,511, G>T on the plus strand (C>A on the coding strand, the complement: BRCA1 is on the minus strand). VCF-style: chr17-43092511-G-T. GRCh37 (hg19) VCF-style: chr17-41244528-G-T.
Other names: c.2807C>A, p.Ser936Ter (NM_001407571.1, NM_001407853.1, NM_001407894.1 and 9 more transcripts); c.3020C>A, p.Ser1007Ter (NM_001407581.1, NM_001407582.1, NM_001407583.1 and 30 more transcripts); c.3017C>A, p.Ser1006Ter (NM_001407587.1, NM_001407590.1, NM_001407591.1 and 22 more transcripts); c.3011C>A, p.Ser1004Ter (NM_001407646.1, NM_001407647.1); c.2897C>A, p.Ser966Ter (NM_001407648.1, NM_001407664.1, NM_001407665.1 and 19 more transcripts); c.2894C>A, p.Ser965Ter (NM_001407649.1, NM_001407670.1, NM_001407671.1 and 11 more transcripts); c.2942C>A, p.Ser981Ter (NM_001407653.1, NM_001407654.1, NM_001407655.1 and 4 more transcripts); c.2939C>A, p.Ser980Ter (NM_001407659.1, NM_001407660.1, NM_001407661.1 and 1 more transcripts); and 41 more; short protein forms S1007*, S960*, S1006*, S895*, S896*, S919*, S937*, S981*.
Identifiers: ClinVar variation 955754 (VCV000955754.13), dbSNP rs80357168, ClinGen allele CA10595951.
Genomic context (GRCh38, chr17:43,092,511, plus strand): 5'-CTAATTGTGCTCACTGTACTTGGAATGTTCTCATTTCCCATTTCTCTTTCAGGTGACATT[G>T]AATGTTCCTCAAAGTTTTCCTCTAGCAGATTTTTCTTACATTTAGTTTTAACAAATGACT-3'